The following is an entry in ClinVar:

ClinVar aggregate classification (germline): Uncertain significance (1 of 4 stars; one submission).

Conditions:
Inborn genetic diseases. Identifiers: MedGen C0950123, MeSH D030342.

Submission:

Ambry Genetics
Classification: Uncertain significance for Inborn genetic diseases. Last evaluated: 2026-03-13. Review status: criteria provided, single submitter. Criteria: Ambry Variant Classification Scheme 2023. Collection method: clinical testing. Allele origin: germline.
Comment: The p.A1066S variant (also known as c.3196G>T), located in coding exon 15 of the MECOM gene, results from a G to T substitution at nucleotide position 3196. The alanine at codon 1066 is replaced by serine, an amino acid with similar properties. This amino acid position is conserved. In addition, this alteration is predicted to be tolerated by in silico analysis. Based on the available evidence, the clinical significance of this variant remains unclear.

NM_004991.4(MECOM):c.3196G>T (p.Ala1066Ser)

Gene: MECOM (MDS1 and EVI1 complex locus; minus strand). Cytogenetic location: 3q26.2.
Variant type: single nucleotide variant.
Coding change: c.3196G>T on transcript NM_004991.4 (MANE Select); coding-DNA position 3196, G replaced by T.
Protein change: p.Ala1066Ser; replaces alanine 1066 with serine.
Molecular consequence: missense variant.
Genome position (GRCh38, 1-based): chr3:169,090,205, C>A on the plus strand (G>T on the coding strand, the complement: MECOM is on the minus strand). VCF-style: chr3-169090205-C-A. GRCh37 (hg19) VCF-style: chr3-168807993-C-A.
Other names: c.2827G>T, p.Ala943Ser (NM_001105077.4); c.2632G>T, p.Ala878Ser (NM_001105078.4, NM_001205194.2, NM_001366469.2 and 1 more transcripts); c.2608G>T, p.Ala870Ser (NM_001163999.2, NM_001366470.2); c.2605G>T, p.Ala869Ser (NM_001164000.2, NM_001366471.2, NM_001366472.2); c.3169G>T, p.Ala1057Ser (NM_001366466.2); c.2635G>T, p.Ala879Ser (NM_001366467.2, NM_001366468.2); c.2197G>T, p.Ala733Ser (NM_001366473.2); c.1633G>T, p.Ala545Ser (NM_001366474.2); short protein forms A733S, A879S, A1066S, A870S, A869S, A1057S, A545S, A878S.
Identifiers: ClinVar variation 4826729 (VCV004826729.1).